The following is an entry in ClinVar:

ClinVar aggregate classification (germline): Conflicting classifications of pathogenicity. Review status: criteria provided, conflicting classifications (1 of 4 stars). 5 submissions from 5 submitters: Uncertain significance (4); Likely benign (1). Last evaluated 2026-06-30.

Conditions:
Cardiovascular phenotype. Identifiers: MedGen CN230736.
Ehlers-Danlos syndrome (EDS). Identifiers: Orphanet 98249, MedGen C0013720, MONDO:0020066.

Allele frequency attached by ClinVar (database versions not stated): gnomAD exomes 0.00006 and 0.00005; gnomAD 0.00003 and 0.00004; ExAC 0.00014; TOPMed 0.00002.
gnomAD v4.1: 81 of 1,575,300 alleles (0.0051%); highest among the groups gnomAD compares: East Asian, 0.023%; no homozygotes.

Submissions (5):

Ambry Genetics
Classification: Likely benign for Cardiovascular phenotype. Last evaluated: 2026-06-30. Review status: criteria provided, single submitter. Criteria: Ambry Variant Classification Scheme 2023. Collection method: clinical testing. Allele origin: germline.

Mayo Clinic Laboratories, Mayo Clinic
Classification: Uncertain significance. Last evaluated: 2025-12-04. Review status: criteria provided, single submitter. Criteria: ACMG Guidelines, 2015. Collection method: clinical testing. Allele origin: germline. Observed: 1 variant allele.
Comment: BP4

GeneDx
Classification: Uncertain significance. Last evaluated: 2025-11-30. Review status: criteria provided, single submitter. Criteria: GeneDx Variant Classification Process June 2021. Collection method: clinical testing. Allele origin: germline.
Comment: Has not been previously published as pathogenic or benign to our knowledge; In silico analysis suggests that this missense variant does not alter protein structure/function

Women's Health and Genetics/Laboratory Corporation of America, LabCorp
Classification: Uncertain significance. Last evaluated: 2025-10-03. Review status: criteria provided, single submitter. Criteria: LabCorp Variant Classification Summary - May 2015. Collection method: clinical testing. Allele origin: germline.
Comment: Variant summary: TNXB c.3968G>A (p.Arg1323Gln) results in a conservative amino acid change in the encoded protein sequence. Algorithms developed to predict the effect of missense changes on protein structure and function all suggest that this variant is likely to be tolerated. The variant allele was found at a frequency of 6.2e-05 in 194506 control chromosomes. This frequency is not significantly higher than estimated for disease-causing variants in TNXB, allowing no conclusion about variant significance. To our knowledge, no occurrence of c.3968G>A in individuals affected with TNXB-related conditions and no experimental evidence demonstrating its impact on protein function have been reported. ClinVar contains an entry for this variant (Variation ID: 1702328). Based on the evidence outlined above, the variant was classified as uncertain significance.

Genome Diagnostics Laboratory, The Hospital for Sick Children
Classification: Uncertain significance for Ehlers-Danlos syndrome. Last evaluated: 2020-04-01. Review status: criteria provided, single submitter. Criteria: ACMG Guidelines, 2015. Collection method: clinical testing. Allele origin: germline.

NM_001365276.2(TNXB):c.3968G>A (p.Arg1323Gln)

Gene: TNXB (tenascin XB; minus strand). Cytogenetic location: 6p21.33.
Variant type: single nucleotide variant.
Coding change: c.3968G>A on transcript NM_001365276.2 (MANE Select); coding-DNA position 3968, G replaced by A.
Protein change: p.Arg1323Gln; replaces arginine 1323 with glutamine.
Molecular consequence: missense variant.
Genome position (GRCh38, 1-based): chr6:32,081,442, C>T on the plus strand (G>A on the coding strand, the complement: TNXB is on the minus strand). VCF-style: chr6-32081442-C-T. GRCh37 (hg19) VCF-style: chr6-32049219-C-T.
Other names: p.Arg1323Gln; c.3968G>A, p.Arg1323Gln (NM_019105.8); short protein forms R1323Q.
Identifiers: ClinVar variation 1702328 (VCV001702328.12), dbSNP rs766503904, ClinGen allele CA3735069.